The following is an entry in ClinVar:

ClinVar aggregate classification (germline): Uncertain significance (1 of 4 stars; one submission).

Conditions:
Inborn genetic diseases. Identifiers: MedGen C0950123, MeSH D030342.

Submission:

Ambry Genetics
Classification: Uncertain significance for Inborn genetic diseases. Last evaluated: 2026-08-07. Review status: criteria provided, single submitter. Criteria: Ambry Variant Classification Scheme 2023. Collection method: clinical testing. Allele origin: germline.
Comment: The p.Y90C variant (also known as c.269A>G), located in coding exon 2 of the G6PC3 gene, results from an A to G substitution at nucleotide position 269. The tyrosine at codon 90 is replaced by cysteine, an amino acid with highly dissimilar properties. This amino acid position is conserved. In addition, this alteration is predicted to be tolerated by in silico analysis. Based on the available evidence, the clinical significance of this variant remains unclear.

NM_138387.4(G6PC3):c.269A>G (p.Tyr90Cys)

Gene: G6PC3 (glucose-6-phosphatase catalytic subunit 3; plus strand). Cytogenetic location: 17q21.31.
Variant type: single nucleotide variant.
Coding change: c.269A>G on transcript NM_138387.4 (MANE Select); coding-DNA position 269, A replaced by G.
Protein change: p.Tyr90Cys; replaces tyrosine 90 with cysteine.
Molecular consequence: missense variant. On other transcripts: 5 prime UTR variant (4).
Genome position (GRCh38, 1-based): chr17:44,074,210, A>G. VCF-style: chr17-44074210-A-G. GRCh37 (hg19) VCF-style: chr17-42151578-A-G.
Other names: c.-77A>G (NM_001384167.1, NM_001384168.1, NM_001384165.1 and 1 more transcripts); c.269A>G, p.Tyr90Cys (NM_001319945.2); short protein forms Y90C.
Identifiers: ClinVar variation 5022095 (VCV005022095.1).